The following is an entry in ClinVar:

NM_015404.4(WHRN):c.559C>T (p.Gln187Ter)

Gene: WHRN (whirlin; minus strand). Cytogenetic location: 9q32.
Variant type: single nucleotide variant.
Coding change: c.559C>T on transcript NM_015404.4 (MANE Select); coding-DNA position 559, C replaced by T.
Protein change: p.Gln187Ter; replaces glutamine 187 with a stop codon.
Molecular consequence: nonsense.
Genome position (GRCh38, 1-based): chr9:114,504,243, G>A on the plus strand (C>T on the coding strand, the complement: WHRN is on the minus strand). VCF-style: chr9-114504243-G-A. GRCh37 (hg19) VCF-style: chr9-117266523-G-A.
Other names: c.559C>T, p.Gln187Ter (NM_001173425.2); c.559C>T (NM_015404.2); short protein forms Q187*.
Identifiers: ClinVar variation 939244 (VCV000939244.8), dbSNP rs1230382008, ClinGen allele CA374611783.

ClinVar aggregate classification (germline): Pathogenic/Likely pathogenic. Review status: criteria provided, multiple submitters, no conflicts (2 of 4 stars). 2 submissions from 2 submitters: Pathogenic (1); Likely pathogenic (1). Last evaluated 2022-08-18.

Allele frequency attached by ClinVar (database versions not stated): gnomAD exomes below 0.00001; TOPMed below 0.00001; gnomAD 0.00001.
gnomAD v4.1: 2 of 1,614,032 alleles (0.00012%); highest among the groups gnomAD compares: Non-Finnish European, 0.00017%; no homozygotes.

Submissions (2):

GeneDx
Classification: Likely pathogenic. Last evaluated: 2022-08-18. Review status: criteria provided, single submitter. Criteria: GeneDx Variant Classification Process June 2021. Collection method: clinical testing. Allele origin: germline. Affected: yes.
Comment: Nonsense variant predicted to result in protein truncation or nonsense mediated decay in a gene for which loss of function is a known mechanism of disease; Not observed at significant frequency in large population cohorts (gnomAD); Has not been previously published as pathogenic or benign to our knowledge; This variant is associated with the following publications: (PMID: 22147658, 12833159, 15841483)

Labcorp Genetics (formerly Invitae), Labcorp
Classification: Pathogenic. Last evaluated: 2021-09-17. Review status: criteria provided, single submitter. Criteria: Invitae Variant Classification Sherloc (09022015). Collection method: clinical testing. Allele origin: germline.
Comment: For these reasons, this variant has been classified as Pathogenic. This variant has not been reported in the literature in individuals with WHRN-related conditions. ClinVar contains an entry for this variant (Variation ID: 939244). This variant is not present in population databases (ExAC no frequency). This sequence change creates a premature translational stop signal (p.Gln187*) in the WHRN gene. It is expected to result in an absent or disrupted protein product. Loss-of-function variants in WHRN are known to be pathogenic (PMID: 12833159, 15841483, 22147658).

Literature cited by the submitters: PubMed 12833159 (cited by Labcorp Genetics (formerly Invitae), Labcorp); PubMed 15841483 (cited by Labcorp Genetics (formerly Invitae), Labcorp); PubMed 22147658 (cited by Labcorp Genetics (formerly Invitae), Labcorp).